The following is an entry in ClinVar:

NM_000531.6(OTC):c.539A>G (p.Gln180Arg)

Gene: OTC (ornithine transcarbamylase; plus strand). Cytogenetic location: Xp11.4.
Variant type: single nucleotide variant.
Coding change: c.539A>G on transcript NM_000531.6 (MANE Select); coding-DNA position 539, A replaced by G.
Protein change: p.Gln180Arg; replaces glutamine 180 with arginine.
Molecular consequence: missense variant.
Genome position (GRCh38, 1-based): chrX:38,401,427, A>G. VCF-style: chrX-38401427-A-G. GRCh37 (hg19) VCF-style: chrX-38260680-A-G.
Other names: c.539A>G, p.Gln180Arg (NM_001407092.1); short protein forms Q180R.
Identifiers: ClinVar variation 3387414 (VCV003387414.1).
Genomic context (GRCh38, chrX:38,401,427, plus strand): 5'-TCAATGGGCTGTCAGATTTGTACCATCCTATCCAGATCCTGGCTGATTACCTCACGCTCC[A>G]GGTTGGTTTATTTATTTGTCTTACAAAAGAGCAAAATCAAATAATTCCTGACTTGCTTTA-3'
Protein context (NP_000522.3, residues 170-190): IQILADYLTL[Gln180Arg]EHYSSLKGLT

ClinVar aggregate classification (germline): Uncertain significance (1 of 4 stars; one submission).

Conditions:
Ornithine carbamoyltransferase deficiency (OTCD). Also called: Ornithine Carbamoyltransferase Deficiency Disease; ORNITHINE TRANSCARBAMYLASE DEFICIENCY; ORNITHINE TRANSCARBAMYLASE DEFICIENCY, HYPERAMMONEMIA DUE TO; OTC DEFICIENCY. Identifiers: Orphanet 664, MedGen C0268542, MONDO:0010703, OMIM 311250.

Submission:

All of Us Research Program, National Institutes of Health
Classification: Uncertain significance for Ornithine carbamoyltransferase deficiency. Last evaluated: 2024-04-16. Review status: criteria provided, single submitter. Criteria: ACMG Guidelines, 2015. Collection method: clinical testing. Allele origin: germline. Inheritance: X-linked inheritance. Observed: 1 variant allele, 1 heterozygote.
Comment: This missense variant replaces glutamine with arginine at codon 180 of the OTC protein. Computational prediction suggests that this variant may have deleterious impact on protein structure and function (internally defined REVEL score threshold >= 0.7, PMID: 27666373). To our knowledge, functional studies have not been reported for this variant. This variant has not been reported in individuals affected with OTC-related disorders in the literature. This variant has not been identified in the general population by the Genome Aggregation Database (gnomAD). The available evidence is insufficient to determine the role of this variant in disease conclusively. Therefore, this variant is classified as a Variant of Uncertain Significance.

This study involves interpretation of variants in research participants for the purpose of population health screening. Participant phenotype was not available at the time of variant classification. Additional details can be found in publication PMID: 35346344, PMCID: PMC8962531